The following is an entry in ClinVar:

ClinVar aggregate classification (germline): Pathogenic/Likely pathogenic. Review status: criteria provided, multiple submitters, no conflicts (2 of 4 stars). 2 submissions from 2 submitters: Pathogenic (1); Likely pathogenic (1). Last evaluated 2025-09-21.

Conditions:
Ataxia-telangiectasia syndrome (AT). Also called: AT, COMPLEMENTATION GROUP C; Ataxia-telangiectasia, complementation group D; ATAXIA-TELANGIECTASIA, COMPLEMENTATION GROUP A; ATAXIA-TELANGIECTASIA, FRESNO VARIANT; Ataxia-telangiectasia; Ataxia-telangiectasia, complementation group E. Identifiers: Orphanet 100, MedGen C0004135, MONDO:0008840, OMIM 208900.
Familial cancer of breast. Also called: hereditary breast carcinoma; BREAST CANCER, FAMILIAL; Hereditary breast cancer. Identifiers: Orphanet 227535, MedGen C0346153, MONDO:0016419, OMIM 114480. Disease mechanism: loss of function.

Submissions (2):

Labcorp Genetics (formerly Invitae), Labcorp
Classification: Pathogenic for Ataxia-telangiectasia syndrome. Last evaluated: 2025-09-21. Review status: criteria provided, single submitter. Criteria: Invitae Variant Classification Sherloc (09022015). Collection method: clinical testing. Allele origin: germline.
Comment: This sequence change creates a premature translational stop signal (p.Ile2065Thrfs*22) in the ATM gene. It is expected to result in an absent or disrupted protein product. Loss-of-function variants in ATM are known to be pathogenic (PMID: 23807571, 25614872). This variant is not present in population databases (gnomAD no frequency). This variant has not been reported in the literature in individuals affected with ATM-related conditions. ClinVar contains an entry for this variant (Variation ID: 3240775). For these reasons, this variant has been classified as Pathogenic.

Baylor Genetics
Classification: Likely pathogenic for Familial cancer of breast. Last evaluated: 2024-01-23. Review status: criteria provided, single submitter. Criteria: ACMG Guidelines, 2015. Collection method: clinical testing. Allele origin: unknown.

Literature cited by the submitters: PubMed 23807571 (cited by Labcorp Genetics (formerly Invitae), Labcorp); PubMed 25614872 (cited by Labcorp Genetics (formerly Invitae), Labcorp).

NM_000051.4(ATM):c.6194_6195del (p.Ile2065fs)

Genes: ATM (ATM serine/threonine kinase; plus strand), C11orf65 (chromosome 11 open reading frame 65; minus strand). Cytogenetic location: 11q22.3.
Variant type: Deletion.
Coding change: c.6194_6195del on transcript NM_000051.4 (MANE Select); coding-DNA positions 6194 to 6195, 2 bases deleted (TT; older notation c.6194_6195delTT).
Protein change: p.Ile2065fs; shifts the reading frame from isoleucine 2065.
Molecular consequence: frameshift variant. On other transcripts: intron variant (2).
Genome position (GRCh38, 1-based): chr11:108,316,109-108,316,110, TT deleted. VCF-style (leftmost placement, unchanged base first): chr11-108316108-ATT-A. GRCh37 (hg19) VCF-style: chr11-108186835-ATT-A.
Other names: c.6194_6195del, p.Ile2065fs (NM_001351834.2); c.641-7039_641-7038del (NM_001330368.2); c.*39-7039_*39-7038del (NM_001351110.2); short protein forms I2065fs.
Identifiers: ClinVar variation 3240775 (VCV003240775.1), dbSNP rs2547097344.
Genomic context (GRCh38, chr11:108,316,108, plus strand): 5'-GCCCTAGTAACATATGACCTCGAAACAGCAATCCCCTCATCAACACGCCAGGCAGGAATC[ATT>A]CAGGTACATTTTTTCCCAGATTTGGTAAAGCCATCACTAGTGTAGTGCTGAGGTTATTTC-3'